The following is an entry in ClinVar:

ClinVar aggregate classification (germline): Uncertain significance (1 of 4 stars; one submission).

Submission:

Labcorp Genetics (formerly Invitae), Labcorp
Classification: Uncertain significance. Last evaluated: 2025-01-20. Review status: criteria provided, single submitter. Criteria: Invitae Variant Classification Sherloc (09022015). Collection method: clinical testing. Allele origin: germline.
Comment: This sequence change replaces phenylalanine, which is neutral and non-polar, with leucine, which is neutral and non-polar, at codon 1734 of the COL11A1 protein (p.Phe1734Leu). This variant is not present in population databases (gnomAD no frequency). This variant has not been reported in the literature in individuals affected with COL11A1-related conditions. Invitae Evidence Modeling of protein sequence and biophysical properties (such as structural, functional, and spatial information, amino acid conservation, physicochemical variation, residue mobility, and thermodynamic stability) indicates that this missense variant is not expected to disrupt COL11A1 protein function with a negative predictive value of 80%. In summary, the available evidence is currently insufficient to determine the role of this variant in disease. Therefore, it has been classified as a Variant of Uncertain Significance.

NM_001854.4(COL11A1):c.5200T>C (p.Phe1734Leu)

Genes: COL11A1 (collagen type XI alpha 1 chain; minus strand), LOC126805814 (P300/CBP strongly-dependent group 1 enhancer GRCh37_chr1:103344928-103346127; plus strand). Cytogenetic location: 1p21.1.
Variant type: single nucleotide variant.
Coding change: c.5200T>C on transcript NM_001854.4 (MANE Select); coding-DNA position 5200, T replaced by C.
Protein change: p.Phe1734Leu; replaces phenylalanine 1734 with leucine.
Molecular consequence: missense variant. On other transcripts: non-coding transcript variant (1).
Genome position (GRCh38, 1-based): chr1:102,879,757, A>G on the plus strand (T>C on the coding strand, the complement: COL11A1 is on the minus strand). VCF-style: chr1-102879757-A-G. GRCh37 (hg19) VCF-style: chr1-103345313-A-G.
Other names: c.5083T>C, p.Phe1695Leu (NM_001190709.2); c.5236T>C, p.Phe1746Leu (NM_080629.3); c.4852T>C, p.Phe1618Leu (NM_080630.4); short protein forms F1618L, F1695L, F1746L, F1734L.
Identifiers: ClinVar variation 3637441 (VCV003637441.2).